The following is an entry in ClinVar:

NM_020937.4(FANCM):c.1435G>A (p.Val479Ile)

Gene: FANCM (FA complementation group M; plus strand). Cytogenetic location: 14q21.2.
Variant type: single nucleotide variant.
Coding change: c.1435G>A on transcript NM_020937.4 (MANE Select); coding-DNA position 1435, G replaced by A.
Protein change: p.Val479Ile; replaces valine 479 with isoleucine.
Molecular consequence: missense variant.
Genome position (GRCh38, 1-based): chr14:45,159,134, G>A. VCF-style: chr14-45159134-G-A. GRCh37 (hg19) VCF-style: chr14-45628337-G-A.
Other names: c.1357G>A, p.Val453Ile (NM_001308133.2); c.1435G>A, p.Val479Ile (NM_001308134.2); short protein forms V453I, V479I.
Identifiers: ClinVar variation 2558006 (VCV002558006.4), dbSNP rs1776603301, ClinGen allele CA389592437.

ClinVar aggregate classification (germline): Uncertain significance. Review status: criteria provided, multiple submitters, no conflicts (2 of 4 stars). 2 submissions from 2 submitters: Uncertain significance (2). Last evaluated 2025-03-02.

Conditions:
Inborn genetic diseases. Identifiers: MedGen C0950123, MeSH D030342.

Allele frequency attached by ClinVar (database versions not stated): gnomAD exomes below 0.00001; TOPMed 0.00001.
gnomAD v4.1: 1 of 1,612,636 alleles (0.000062%); highest among the groups gnomAD compares: Non-Finnish European, 0.000085%; no homozygotes.

Submissions (2):

Ambry Genetics
Classification: Uncertain significance for Inborn genetic diseases. Last evaluated: 2025-03-02. Review status: criteria provided, single submitter. Criteria: Ambry Variant Classification Scheme 2023. Collection method: clinical testing. Allele origin: germline.
Comment: The p.V479I variant (also known as c.1435G>A), located in coding exon 9 of the FANCM gene, results from a G to A substitution at nucleotide position 1435. The valine at codon 479 is replaced by isoleucine, an amino acid with highly similar properties. This amino acid position is conserved. In addition, this alteration is predicted to be tolerated by in silico analysis. Based on the available evidence, the clinical significance of this variant remains unclear.

GeneDx
Classification: Uncertain significance. Last evaluated: 2023-02-28. Review status: criteria provided, single submitter. Criteria: GeneDx Variant Classification Process June 2021. Collection method: clinical testing. Allele origin: germline. Affected: yes.
Comment: Not observed at significant frequency in large population cohorts (gnomAD); In silico analysis supports that this missense variant does not alter protein structure/function; Has not been previously published as pathogenic or benign to our knowledge